The following is an entry in ClinVar:

NM_018706.7(DHTKD1):c.2T>G (p.Met1Arg)

Gene: DHTKD1 (dehydrogenase E1 and transketolase domain containing 1; plus strand). Cytogenetic location: 10p14.
Variant type: single nucleotide variant.
Coding change: c.2T>G on transcript NM_018706.7 (MANE Select); coding-DNA position 2, T replaced by G.
Protein change: p.Met1Arg; changes the start codon (methionine 1).
Molecular consequence: missense variant, initiator codon variant.
Genome position (GRCh38, 1-based): chr10:12,069,035, T>G. VCF-style: chr10-12069035-T-G. GRCh37 (hg19) VCF-style: chr10-12111034-T-G.
Other names: short protein forms M1R.
Identifiers: ClinVar variation 2709534 (VCV002709534.3), dbSNP rs760903542, ClinGen allele CA5407403.

ClinVar aggregate classification (germline): Uncertain significance (1 of 4 stars; one submission).

Conditions:
2-aminoadipic 2-oxoadipic aciduria (AAKAD). Also called: Aminoadipic aciduria; ALPHA-AMINOADIPIC AND ALPHA-KETOADIPIC ACIDURIA. Identifiers: Orphanet 79154, MedGen C1859817, MONDO:0008774, OMIM 204750.

Allele frequency attached by ClinVar (database versions not stated): ExAC 0.00002.

Submission:

Labcorp Genetics (formerly Invitae), Labcorp
Classification: Uncertain significance for 2-aminoadipic 2-oxoadipic aciduria. Last evaluated: 2023-10-09. Review status: criteria provided, single submitter. Criteria: Invitae Variant Classification Sherloc (09022015). Collection method: clinical testing. Allele origin: germline.
Comment: This sequence change affects the initiator methionine of the DHTKD1 mRNA. The next in-frame methionine is located at codon 108. This variant is present in population databases (rs760903542, gnomAD 0.003%). Disruption of the initiator codon has been observed in individual(s) with 2-aminoadipic 2-oxoadipic aciduria (PMID: 23141293). In summary, the available evidence is currently insufficient to determine the role of this variant in disease. Therefore, it has been classified as a Variant of Uncertain Significance.

Literature cited by the submitters: PubMed 23141293.